The following is an entry in ClinVar:

NM_000175.5(GPI):c.1414C>T (p.Arg472Cys)

Gene: GPI (glucose-6-phosphate isomerase; plus strand). Cytogenetic location: 19q13.11.
Variant type: single nucleotide variant.
Coding change: c.1414C>T on transcript NM_000175.5 (MANE Select); coding-DNA position 1414, C replaced by T.
Protein change: p.Arg472Cys; replaces arginine 472 with cysteine.
Molecular consequence: missense variant.
Genome position (GRCh38, 1-based): chr19:34,399,571, C>T. VCF-style: chr19-34399571-C-T. GRCh37 (hg19) VCF-style: chr19-34890476-C-T.
Other names: c.1447C>T, p.Arg483Cys (NM_001184722.1); c.1531C>T, p.Arg511Cys (NM_001289789.1); c.1330C>T, p.Arg444Cys (NM_001289790.3); c.1414C>T, p.Arg472Cys (NM_001329909.1, NM_001329910.1); c.1387C>T, p.Arg463Cys (NM_001329911.2); short protein forms R444C, R463C, R472C, R483C, R511C.
Identifiers: ClinVar variation 1176072 (VCV001176072.36), dbSNP rs1364382189, ClinGen allele CA405245969.

ClinVar aggregate classification (germline): Pathogenic. Review status: criteria provided, multiple submitters, no conflicts (2 of 4 stars). 2 submissions from 2 submitters: Pathogenic (2). Last evaluated 2021-02-01.

Conditions:
Hemolytic anemia due to glucophosphate isomerase deficiency (CNSHA4). Also called: ANEMIA, CONGENITAL, NONSPHEROCYTIC HEMOLYTIC, 4. Identifiers: Orphanet 712, MedGen C0272064, MONDO:0013275, OMIM 613470.

Allele frequency attached by ClinVar (database versions not stated): gnomAD exomes below 0.00001; TOPMed 0.00001.
gnomAD v4.1: 4 of 1,614,080 alleles (0.00025%); highest among the groups gnomAD compares: South Asian, 0.0011%; no homozygotes.

Submissions (2):

CeGaT Center for Human Genetics Tuebingen
Classification: Pathogenic. Last evaluated: 2021-02-01. Review status: criteria provided, single submitter. Criteria: CeGaT Center For Human Genetics Tuebingen Variant Classification Criteria Version 2. Collection method: clinical testing. Allele origin: germline. Affected: yes. Observed: 1 variant allele.

Neuberg Centre For Genomic Medicine, NCGM
Classification: Pathogenic for Hemolytic anemia due to glucophosphate isomerase deficiency. Review status: criteria provided, single submitter. Criteria: ACMG Guidelines, 2015. Collection method: clinical testing. Allele origin: germline. Affected: yes.
Comment: The missense variant p.R472C in GPI (NM_000175.5) has been previously reported in both homozygous as well as compound heterozygous state (Mojzikova R et al).Functional studies in the same patients showed decreased thermal stability as well as decreased affinity. The p.R472C variant is novel (not in any individuals) in gnomAD Exomes and is novel (not in any individuals) in 1000 Genomes. The p.R472C missense variant is predicted to be damaging by both SIFT and PolyPhen2. The arginine residue at codon 472 of GPI is conserved in all mammalian species.The nucleotide c.1414 in GPI is predicted conserved by GERP++ and PhyloP across 100 vertebrates.For these reasons, this variant has been classified as Pathogenic.